The following is an entry in ClinVar:

NM_000179.3(MSH6):c.2584C>G (p.Leu862Val)

Gene: MSH6 (mutS homolog 6; plus strand). Cytogenetic location: 2p16.3.
Variant type: single nucleotide variant.
Coding change: c.2584C>G on transcript NM_000179.3 (MANE Select); coding-DNA position 2584, C replaced by G.
Protein change: p.Leu862Val; replaces leucine 862 with valine.
Molecular consequence: missense variant.
Genome position (GRCh38, 1-based): chr2:47,800,567, C>G. VCF-style: chr2-47800567-C-G. GRCh37 (hg19) VCF-style: chr2-48027706-C-G.
Other names: c.2194C>G, p.Leu732Val (NM_001281492.2); c.1678C>G, p.Leu560Val (NM_001281493.2, NM_001281494.2); short protein forms L560V, L862V, L732V.
Identifiers: ClinVar variation 821521 (VCV000821521.15), dbSNP rs1187393388, ClinGen allele CA346754809.

ClinVar aggregate classification (germline): Uncertain significance. Review status: criteria provided, multiple submitters, no conflicts (2 of 4 stars). 2 submissions from 2 submitters: Uncertain significance (2). Last evaluated 2025-08-13.

Conditions:
Hereditary nonpolyposis colorectal neoplasms. Identifiers: MedGen C0009405, MeSH D003123.
Hereditary cancer-predisposing syndrome. Also called: Tumor predisposition; Hereditary Cancer Syndrome; Neoplastic Syndromes, Hereditary; Hereditary neoplastic syndrome. Identifiers: Orphanet 140162, MedGen C0027672, MeSH D009386, MONDO:0015356.

Allele frequency attached by ClinVar (database versions not stated): gnomAD 0.00003.
gnomAD v4.1: 2 of 1,613,792 alleles (0.00012%); highest among the groups gnomAD compares: Non-Finnish European, 0.000085%; no homozygotes.

Submissions (2):

Labcorp Genetics (formerly Invitae), Labcorp
Classification: Uncertain significance for Hereditary nonpolyposis colorectal neoplasms. Last evaluated: 2025-08-13. Review status: criteria provided, single submitter. Criteria: Invitae Variant Classification Sherloc (09022015). Collection method: clinical testing. Allele origin: germline.
Comment: This sequence change replaces leucine, which is neutral and non-polar, with valine, which is neutral and non-polar, at codon 862 of the MSH6 protein (p.Leu862Val). This variant is present in population databases (no rsID available, gnomAD 0.03%). This variant has not been reported in the literature in individuals affected with MSH6-related conditions. ClinVar contains an entry for this variant (Variation ID: 821521). Invitae Evidence Modeling of protein sequence and biophysical properties (such as structural, functional, and spatial information, amino acid conservation, physicochemical variation, residue mobility, and thermodynamic stability) has been performed for this missense variant. However, the output from this modeling did not meet the statistical confidence thresholds required to predict the impact of this variant on MSH6 protein function. In summary, the available evidence is currently insufficient to determine the role of this variant in disease. Therefore, it has been classified as a Variant of Uncertain Significance.

Ambry Genetics
Classification: Uncertain significance for Hereditary cancer-predisposing syndrome. Last evaluated: 2025-04-17. Review status: criteria provided, single submitter. Criteria: Ambry Variant Classification Scheme 2023. Collection method: clinical testing. Allele origin: germline.
Comment: The p.L862V variant (also known as c.2584C>G), located in coding exon 4 of the MSH6 gene, results from a C to G substitution at nucleotide position 2584. The leucine at codon 862 is replaced by valine, an amino acid with highly similar properties. This amino acid position is highly conserved in available vertebrate species. In addition, the in silico prediction for this alteration is inconclusive. Based on the available evidence, the clinical significance of this variant remains unclear.